The following is an entry in ClinVar:

NM_001378183.1(PIEZO2):c.7878T>G (p.Ser2626Arg)

Gene: PIEZO2 (piezo type mechanosensitive ion channel component 2; minus strand). Cytogenetic location: 18p11.22.
Variant type: single nucleotide variant.
Coding change: c.7878T>G on transcript NM_001378183.1 (MANE Select); coding-DNA position 7878, T replaced by G.
Protein change: p.Ser2626Arg; replaces serine 2626 with arginine.
Molecular consequence: missense variant.
Genome position (GRCh38, 1-based): chr18:10,680,273, A>C on the plus strand (T>G on the coding strand, the complement: PIEZO2 is on the minus strand). VCF-style: chr18-10680273-A-C. GRCh37 (hg19) VCF-style: chr18-10680270-A-C.
Other names: c.7614T>G, p.Ser2538Arg (NM_001410871.1); c.7539T>G, p.Ser2513Arg (NM_022068.4); short protein forms S2513R, S2538R, S2626R.
Identifiers: ClinVar variation 2630096 (VCV002630096.1), dbSNP rs1299255998, ClinGen allele CA401914190.
Genomic context (GRCh38, chr18:10,680,273, plus strand): 5'-TGAAAAAACAACAGAGAAGCTACTATTGGGGTCCAGGAGTTCGTGTATCATTTTCTGCTT[A>C]CTGGGTGGGCTGATGGTCCACAAAGAATTTGAGTTTCCTTCCAGTTCTGCTACTGTTATG-3'
Protein context (NP_001365112.1, residues 2616-2636): SNSLWTISPP[Ser2626Arg]KQKMIHELLD

ClinVar aggregate classification (germline): Uncertain significance (1 of 4 stars; one submission).

Conditions:
PIEZO2-related disorder. Also called: PIEZO2-related condition; PIEZO2-related disorders.

Allele frequency attached by ClinVar (database versions not stated): TOPMed below 0.00001.
gnomAD v4.1: 21 of 1,614,074 alleles (0.0013%); highest among the groups gnomAD compares: Non-Finnish European, 0.0018%; no homozygotes.

Submission:

PreventionGenetics, part of Exact Sciences
Classification: Uncertain significance for PIEZO2-related condition. Last evaluated: 2023-01-26. Review status: criteria provided, single submitter. Criteria: ACMG Guidelines, 2015. Collection method: clinical testing. Allele origin: germline.
Comment: The PIEZO2 c.7539T>G variant is predicted to result in the amino acid substitution p.Ser2513Arg. To our knowledge, this variant has not been reported in the literature. This variant is reported in 0.00088% of alleles in individuals of European (Non-Finnish) descent in gnomAD. At this time, the clinical significance of this variant is uncertain due to the absence of conclusive functional and genetic evidence.